The following is an entry in ClinVar:

ClinVar aggregate classification (germline): Benign. Review status: criteria provided, multiple submitters, no conflicts (2 of 4 stars). 2 submissions from 2 submitters: Benign (2). Last evaluated 2018-06-19.

Allele frequency attached by ClinVar (database versions not stated): 1000 Genomes Project 0.03454; 1000 Genomes Project 30x 0.03482; gnomAD exomes 0.05041; gnomAD 0.05327 and 0.05544; TOPMed 0.05491.
gnomAD v4.1: 38,269 of 745,182 alleles (5.1%); highest among the groups gnomAD compares: Non-Finnish European, 6%; 1,236 homozygotes.

Submissions (14):

GeneDx
Classification: Benign. Last evaluated: 2018-06-19. Review status: criteria provided, single submitter. Criteria: GeneDx Variant Classification (06012015). Collection method: clinical testing. Allele origin: germline. Affected: yes.
Comment: This variant is considered likely benign or benign based on one or more of the following criteria: it is a conservative change, it occurs at a poorly conserved position in the protein, it is predicted to be benign by multiple in silico algorithms, and/or has population frequency not consistent with disease.

Breakthrough Genomics
Classification: Benign. Review status: criteria provided, single submitter. Criteria: ACMG Guidelines, 2015. Collection method: not provided. Allele origin: germline. Inheritance: Autosomal dominant inheritance. Affected: yes.

Dr. Peter K. Rogan Lab, Western University
No classification provided (evidence only). Condition: Acute myeloid leukemia. Review status: no classification provided. Collection method: in vitro. Allele origin: not applicable. Functional consequence: retained intron. Not counted in ClinVar's aggregate classification.

Dr. Peter K. Rogan Lab, Western University
No classification provided (evidence only). Condition: Acute myeloid leukemia. Review status: no classification provided. Collection method: in vitro. Allele origin: not applicable. Functional consequence: skipped exon. Not counted in ClinVar's aggregate classification.

Dr. Peter K. Rogan Lab, Western University
No classification provided (evidence only). Condition: Uterine corpus endometrial carcinoma. Review status: no classification provided. Collection method: in vitro. Allele origin: not applicable. Functional consequence: skipped exon. Not counted in ClinVar's aggregate classification.

Dr. Peter K. Rogan Lab, Western University
No classification provided (evidence only). Condition: Malignant lymphoma, large B-cell, diffuse. Review status: no classification provided. Collection method: in vitro. Allele origin: not applicable. Functional consequence: retained intron. Not counted in ClinVar's aggregate classification.

Dr. Peter K. Rogan Lab, Western University
No classification provided (evidence only). Condition: Thymoma. Review status: no classification provided. Collection method: in vitro. Allele origin: not applicable. Functional consequence: skipped exon. Not counted in ClinVar's aggregate classification.

Dr. Peter K. Rogan Lab, Western University
No classification provided (evidence only). Condition: Thymoma. Review status: no classification provided. Collection method: in vitro. Allele origin: not applicable. Functional consequence: retained intron. Not counted in ClinVar's aggregate classification.

Dr. Peter K. Rogan Lab, Western University
No classification provided (evidence only). Condition: Cholangiocarcinoma. Review status: no classification provided. Collection method: in vitro. Allele origin: not applicable. Functional consequence: retained intron. Not counted in ClinVar's aggregate classification.

Dr. Peter K. Rogan Lab, Western University
No classification provided (evidence only). Condition: Cholangiocarcinoma. Review status: no classification provided. Collection method: in vitro. Allele origin: not applicable. Functional consequence: skipped exon. Not counted in ClinVar's aggregate classification.

Dr. Peter K. Rogan Lab, Western University
No classification provided (evidence only). Condition: Cholangiocarcinoma. Review status: no classification provided. Collection method: in vitro. Allele origin: not applicable. Functional consequence: retained intron. Not counted in ClinVar's aggregate classification.

Dr. Peter K. Rogan Lab, Western University
No classification provided (evidence only). Condition: Cholangiocarcinoma. Review status: no classification provided. Collection method: in vitro. Allele origin: not applicable. Functional consequence: skipped exon. Not counted in ClinVar's aggregate classification.

Dr. Peter K. Rogan Lab, Western University
No classification provided (evidence only). Condition: Gastric cancer. Review status: no classification provided. Collection method: in vitro. Allele origin: not applicable. Functional consequence: retained intron. Not counted in ClinVar's aggregate classification.

Dr. Peter K. Rogan Lab, Western University
No classification provided (evidence only). Condition: Uterine carcinosarcoma. Review status: no classification provided. Collection method: in vitro. Allele origin: not applicable. Functional consequence: retained intron. Not counted in ClinVar's aggregate classification.

NM_004637.6(RAB7A):c.-8-142T>G

Gene: RAB7A (RAB7A, member RAS oncogene family; plus strand). Cytogenetic location: 3q21.3.
Variant type: single nucleotide variant.
Coding change: c.-8-142T>G on transcript NM_004637.6 (MANE Select); 142 bases into the intron before 8 bases upstream of the start codon, T replaced by G.
Molecular consequence: intron variant.
Genome position (GRCh38, 1-based): chr3:128,795,218, T>G. VCF-style: chr3-128795218-T-G. GRCh37 (hg19) VCF-style: chr3-128514061-T-G.
Other names: NC_000003.11:g.128514061T>G.
Identifiers: ClinVar variation 674517 (VCV000674517.3), dbSNP rs73198858, ClinGen allele CA11482375.